The following is an entry in ClinVar:

ClinVar aggregate classification (germline): Uncertain significance (1 of 4 stars; one submission).

Conditions:
Dyskeratosis congenita, autosomal recessive 5 (DKCB5). Identifiers: MedGen C3554656, MONDO:0014076, OMIM 615190.
Pulmonary fibrosis and/or bone marrow failure, Telomere-related, 3. Also called: PULMONARY FIBROSIS AND/OR BONE MARROW FAILURE SYNDROME, TELOMERE-RELATED, 3. Identifiers: Orphanet 2032, MedGen C4225346, MONDO:0014613, OMIM 616373.

Submission:

Labcorp Genetics (formerly Invitae), Labcorp
Classification: Uncertain significance for Dyskeratosis congenita, autosomal recessive 5; Pulmonary fibrosis and/or bone marrow failure, Telomere-related, 3. Last evaluated: 2024-03-29. Review status: criteria provided, single submitter. Criteria: Invitae Variant Classification Sherloc (09022015). Collection method: clinical testing. Allele origin: germline.
Comment: This sequence change replaces glycine, which is neutral and non-polar, with glutamic acid, which is acidic and polar, at codon 805 of the RTEL1 protein (p.Gly805Glu). This variant is not present in population databases (gnomAD no frequency). This variant has not been reported in the literature in individuals affected with RTEL1-related conditions. Algorithms developed to predict the effect of missense changes on protein structure and function output the following: SIFT: "Not Available"; PolyPhen-2: "Benign"; Align-GVGD: "Not Available". The glutamic acid amino acid residue is found in multiple mammalian species, which suggests that this missense change does not adversely affect protein function. In summary, the available evidence is currently insufficient to determine the role of this variant in disease. Therefore, it has been classified as a Variant of Uncertain Significance.

NM_001283009.2(RTEL1):c.2414G>A (p.Gly805Glu)

Genes: RTEL1 (regulator of telomere elongation helicase 1; plus strand), RTEL1-TNFRSF6B (RTEL1-TNFRSF6B readthrough (NMD candidate); plus strand). Cytogenetic location: 20q13.33.
Variant type: single nucleotide variant.
Coding change: c.2414G>A on transcript NM_001283009.2 (MANE Select); coding-DNA position 2414, G replaced by A.
Protein change: p.Gly805Glu; replaces glycine 805 with glutamic acid.
Molecular consequence: missense variant. On other transcripts: non-coding transcript variant (1).
Genome position (GRCh38, 1-based): chr20:63,690,805, G>A. VCF-style: chr20-63690805-G-A. GRCh37 (hg19) VCF-style: chr20-62322158-G-A.
Other names: c.1745G>A, p.Gly582Glu (NM_001283010.1); c.2414G>A, p.Gly805Glu (NM_016434.4); c.2486G>A, p.Gly829Glu (NM_032957.5); short protein forms G582E, G805E, G829E.
Identifiers: ClinVar variation 3760502 (VCV003760502.2).